The following is an entry in ClinVar:

ClinVar aggregate classification (germline): Conflicting classifications of pathogenicity. Review status: criteria provided, conflicting classifications (1 of 4 stars). 3 submissions from 3 submitters: Uncertain significance (2); Likely benign (1). Last evaluated 2025-10-01.

Conditions:
Inborn genetic diseases. Identifiers: MedGen C0950123, MeSH D030342.
Pitt-Hopkins syndrome (PTHS). Also called: ENCEPHALOPATHY, SEVERE EPILEPTIC, WITH AUTONOMIC DYSFUNCTION; MENTAL RETARDATION, SYNDROMAL, WITH INTERMITTENT HYPERVENTILATION. Identifiers: Orphanet 2896, MedGen C1970431, MONDO:0012589, OMIM 610954.

Allele frequency attached by ClinVar (database versions not stated): gnomAD exomes 0.00001 and 0.00002; ExAC 0.00002; gnomAD 0.00003 and 0.00004; ESP Exome Variant Server 0.00008.
gnomAD v4.1: 17 of 1,610,580 alleles (0.0011%); highest among the groups gnomAD compares: African/African-American, 0.008%; no homozygotes.

Submissions (3):

Ambry Genetics
Classification: Likely benign for Inborn genetic diseases. Last evaluated: 2025-10-01. Review status: criteria provided, single submitter. Criteria: Ambry Variant Classification Scheme 2023. Collection method: clinical testing. Allele origin: germline.

CeGaT Center for Human Genetics Tuebingen
Classification: Uncertain significance. Last evaluated: 2025-07-01. Review status: criteria provided, single submitter. Criteria: CeGaT Center For Human Genetics Tuebingen Variant Classification Criteria Version 2. Collection method: clinical testing. Allele origin: germline. Affected: yes. Observed: 1 variant allele.

Labcorp Genetics (formerly Invitae), Labcorp
Classification: Uncertain significance for Pitt-Hopkins syndrome. Last evaluated: 2024-07-25. Review status: criteria provided, single submitter. Criteria: Invitae Variant Classification Sherloc (09022015). Collection method: clinical testing. Allele origin: germline.
Comment: This sequence change replaces isoleucine, which is neutral and non-polar, with threonine, which is neutral and polar, at codon 386 of the TCF4 protein (p.Ile386Thr). This variant is present in population databases (rs143594544, gnomAD 0.007%). This variant has not been reported in the literature in individuals affected with TCF4-related conditions. ClinVar contains an entry for this variant (Variation ID: 1362287). Advanced modeling of protein sequence and biophysical properties (such as structural, functional, and spatial information, amino acid conservation, physicochemical variation, residue mobility, and thermodynamic stability) performed at Invitae indicates that this missense variant is not expected to disrupt TCF4 protein function with a negative predictive value of 95%. In summary, the available evidence is currently insufficient to determine the role of this variant in disease. Therefore, it has been classified as a Variant of Uncertain Significance.

NM_001083962.2(TCF4):c.1157T>C (p.Ile386Thr)

Gene: TCF4 (transcription factor 4; minus strand). Cytogenetic location: 18q21.2.
Variant type: single nucleotide variant.
Coding change: c.1157T>C on transcript NM_001083962.2 (MANE Select); coding-DNA position 1157, T replaced by C.
Protein change: p.Ile386Thr; replaces isoleucine 386 with threonine.
Molecular consequence: missense variant.
Genome position (GRCh38, 1-based): chr18:55,254,690, A>G on the plus strand (T>C on the coding strand, the complement: TCF4 is on the minus strand). VCF-style: chr18-55254690-A-G. GRCh37 (hg19) VCF-style: chr18-52921921-A-G.
Other names: c.1463T>C, p.Ile488Thr (NM_001243226.3); c.1085T>C, p.Ile362Thr (NM_001243227.2, NM_001306207.1, NM_001369575.1 and 5 more transcripts); c.1175T>C, p.Ile392Thr (NM_001243228.2); c.1148T>C, p.Ile383Thr (NM_001243230.2); c.1031T>C, p.Ile344Thr (NM_001243231.2, NM_001348211.2); c.944T>C, p.Ile315Thr (NM_001243232.1, NM_001306208.1); c.767T>C, p.Ile256Thr (NM_001243233.2, NM_001330605.3, NM_001348212.2 and 1 more transcripts); c.677T>C, p.Ile226Thr (NM_001243234.2, NM_001243235.2, NM_001243236.2 and 1 more transcripts); and 7 more; short protein forms I226T, I315T, I362T, I392T, I383T, I385T, I386T, I170T.
Identifiers: ClinVar variation 1362287 (VCV001362287.13), dbSNP rs143594544, ClinGen allele CA8970252.
Genomic context (GRCh38, chr18:55,254,690, plus strand): 5'-CCCACTGCATGGTTCCGGAGAACATGAATAGCATCATCCAGTCTTTCTAAACGATCTTCA[A>G]TTCGGCTTTGCTGTTGGTTAACAAATGATGTAAAATTTGATTTAGTTCAAAAGGGGTGCC-3'
Protein context (NP_001077431.1, residues 376-396): EGPLHSLQSR[Ile386Thr]EDRLERLDDA